The following is an entry in ClinVar:

NM_004168.4(SDHA):c.1708A>T (p.Asn570Tyr)

Gene: SDHA (succinate dehydrogenase complex flavoprotein subunit A; plus strand). Cytogenetic location: 5p15.33.
Variant type: single nucleotide variant.
Coding change: c.1708A>T on transcript NM_004168.4 (MANE Select); coding-DNA position 1708, A replaced by T.
Protein change: p.Asn570Tyr; replaces asparagine 570 with tyrosine.
Molecular consequence: missense variant. On other transcripts: intron variant (1).
Genome position (GRCh38, 1-based): chr5:251,382, A>T. VCF-style: chr5-251382-A-T. GRCh37 (hg19) VCF-style: chr5-251497-A-T.
Other names: c.1708A>T (NM_004168.2); c.1564A>T, p.Asn522Tyr (NM_001294332.2); c.1552-3011A>T (NM_001330758.2); short protein forms N570Y, N522Y.
Identifiers: ClinVar variation 580666 (VCV000580666.10), dbSNP rs1561010778, ClinGen allele CA359000046.

ClinVar aggregate classification (germline): Uncertain significance. Review status: criteria provided, multiple submitters, no conflicts (2 of 4 stars). 2 submissions from 2 submitters: Uncertain significance (2). Last evaluated 2025-05-30.

Conditions:
Hereditary cancer-predisposing syndrome. Also called: Neoplastic Syndromes, Hereditary; Tumor predisposition; Hereditary neoplastic syndrome; Hereditary Cancer Syndrome. Identifiers: Orphanet 140162, MedGen C0027672, MeSH D009386, MONDO:0015356.
Mitochondrial complex II deficiency, nuclear type 1. Also called: SUCCINATE CoQ REDUCTASE DEFICIENCY. Identifiers: Orphanet 3208, MedGen C5700310, MONDO:0100294, OMIM 252011.
Pheochromocytoma/paraganglioma syndrome 5. Also called: Paragangliomas 5; SDHA-Related Hereditary Paraganglioma-Pheochromocytoma Syndrome. Identifiers: Orphanet 29072, MedGen C3279992, MONDO:0013602, OMIM 614165.

Submissions (2):

Labcorp Genetics (formerly Invitae), Labcorp
Classification: Uncertain significance for Pheochromocytoma/paraganglioma syndrome 5; Mitochondrial complex II deficiency, nuclear type 1. Last evaluated: 2025-05-30. Review status: criteria provided, single submitter. Criteria: Invitae Variant Classification Sherloc (09022015). Collection method: clinical testing. Allele origin: germline.
Comment: This sequence change replaces asparagine, which is neutral and polar, with tyrosine, which is neutral and polar, at codon 570 of the SDHA protein (p.Asn570Tyr). This variant is not present in population databases (gnomAD no frequency). This variant has not been reported in the literature in individuals affected with SDHA-related conditions. ClinVar contains an entry for this variant (Variation ID: 580666). Invitae Evidence Modeling of protein sequence and biophysical properties (such as structural, functional, and spatial information, amino acid conservation, physicochemical variation, residue mobility, and thermodynamic stability) has been performed for this missense variant. However, the output from this modeling did not meet the statistical confidence thresholds required to predict the impact of this variant on SDHA protein function. In summary, the available evidence is currently insufficient to determine the role of this variant in disease. Therefore, it has been classified as a Variant of Uncertain Significance.

Ambry Genetics
Classification: Uncertain significance for Hereditary cancer-predisposing syndrome. Last evaluated: 2023-09-18. Review status: criteria provided, single submitter. Criteria: Ambry Variant Classification Scheme 2023. Collection method: clinical testing. Allele origin: germline.
Comment: The p.N570Y variant (also known as c.1708A>T), located in coding exon 13 of the SDHA gene, results from an A to T substitution at nucleotide position 1708. The asparagine at codon 570 is replaced by tyrosine, an amino acid with dissimilar properties. This amino acid position is conserved. In addition, this alteration is predicted to be deleterious by in silico analysis. Since supporting evidence is limited at this time, the clinical significance of this alteration remains unclear.